The following is an entry in ClinVar:

ClinVar aggregate classification (germline): Uncertain significance. Review status: criteria provided, multiple submitters, no conflicts (2 of 4 stars). 4 submissions from 4 submitters: Uncertain significance (4). Last evaluated 2026-01-19.

Conditions:
Periventricular heterotopia with microcephaly, autosomal recessive (ARPHM). Also called: PERIVENTRICULAR NODULAR HETEROTOPIA 2; Periventricular heterotopia with microcephaly. Identifiers: Orphanet 2149, MedGen C1842563, MONDO:0011966, OMIM 608097.

Allele frequency attached by ClinVar (database versions not stated): gnomAD 0.00013; ESP Exome Variant Server 0.00015; ExAC 0.00017; TOPMed 0.00017; gnomAD exomes 0.00019 and 0.00025.

Submissions (4):

Labcorp Genetics (formerly Invitae), Labcorp
Classification: Uncertain significance. Last evaluated: 2026-01-19. Review status: criteria provided, single submitter. Criteria: Invitae Variant Classification Sherloc (09022015). Collection method: clinical testing. Allele origin: germline.
Comment: This sequence change replaces arginine, which is basic and polar, with cysteine, which is neutral and slightly polar, at codon 232 of the ARFGEF2 protein (p.Arg232Cys). This variant is present in population databases (rs200040098, gnomAD 0.2%). This variant has not been reported in the literature in individuals affected with ARFGEF2-related conditions. ClinVar contains an entry for this variant (Variation ID: 898183). An algorithm developed to predict the effect of missense changes on protein structure and function (PolyPhen-2) suggests that this variant is likely to be tolerated. In summary, the available evidence is currently insufficient to determine the role of this variant in disease. Therefore, it has been classified as a Variant of Uncertain Significance.

Revvity Omics, Revvity
Classification: Uncertain significance for Periventricular heterotopia with microcephaly, autosomal recessive. Last evaluated: 2022-05-25. Review status: criteria provided, single submitter. Criteria: ACMG Guidelines, 2015. Collection method: clinical testing. Allele origin: germline.

GeneDx
Classification: Uncertain significance. Last evaluated: 2019-03-28. Review status: criteria provided, single submitter. Criteria: GeneDx Variant Classification Process June 2021. Collection method: clinical testing. Allele origin: germline. Affected: yes.
Comment: In silico analysis, which includes protein predictors and evolutionary conservation, supports that this variant does not alter protein structure/function; Has not been previously published as pathogenic or benign to our knowledge

Illumina Laboratory Services, Illumina
Classification: Uncertain significance for Periventricular heterotopia with microcephaly, autosomal recessive. Last evaluated: 2018-01-13. Review status: criteria provided, single submitter. Criteria: ICSL Variant Classification Criteria 13 December 2019. Collection method: clinical testing. Allele origin: germline.

NM_006420.3(ARFGEF2):c.694C>T (p.Arg232Cys)

Gene: ARFGEF2 (ARF guanine nucleotide exchange factor 2; plus strand). Cytogenetic location: 20q13.13.
Variant type: single nucleotide variant.
Coding change: c.694C>T on transcript NM_006420.3 (MANE Select); coding-DNA position 694, C replaced by T.
Protein change: p.Arg232Cys; replaces arginine 232 with cysteine.
Molecular consequence: missense variant.
Genome position (GRCh38, 1-based): chr20:48,953,646, C>T. VCF-style: chr20-48953646-C-T. GRCh37 (hg19) VCF-style: chr20-47570183-C-T.
Other names: short protein forms R232C.
Identifiers: ClinVar variation 898183 (VCV000898183.11), dbSNP rs200040098, ClinGen allele CA9898217.
Genomic context (GRCh38, chr20:48,953,646, plus strand): 5'-ATCCAGTCAAAACCCCAGTCCCCTGTGATCCAAGCTGCAGCAGTATCCCCAAAGTTCGTT[C>T]GTTTGAAGCACAGTCAGGCACAAAGCAAACCAACAACTCCCGAAAAAACAGATTTAACCA-3'
Protein context (NP_006411.2, residues 222-242): QAAAVSPKFV[Arg232Cys]LKHSQAQSKP